The following is an entry in ClinVar:

NM_206933.4(USH2A):c.11380A>G (p.Ile3794Val)

Gene: USH2A (usherin; minus strand). Cytogenetic location: 1q41.
Variant type: single nucleotide variant.
Coding change: c.11380A>G on transcript NM_206933.4 (MANE Select); coding-DNA position 11380, A replaced by G.
Protein change: p.Ile3794Val; replaces isoleucine 3794 with valine.
Molecular consequence: missense variant.
Genome position (GRCh38, 1-based): chr1:215,758,604, T>C on the plus strand (A>G on the coding strand, the complement: USH2A is on the minus strand). VCF-style: chr1-215758604-T-C. GRCh37 (hg19) VCF-style: chr1-215931946-T-C.
Other names: short protein forms I3794V.
Identifiers: ClinVar variation 1018843 (VCV001018843.8), dbSNP rs1660883552, ClinGen allele CA344820443.

ClinVar aggregate classification (germline): Uncertain significance (1 of 4 stars; one submission).

Submission:

Labcorp Genetics (formerly Invitae), Labcorp
Classification: Uncertain significance. Last evaluated: 2020-06-27. Review status: criteria provided, single submitter. Criteria: Invitae Variant Classification Sherloc (09022015). Collection method: clinical testing. Allele origin: germline.
Comment: In summary, the available evidence is currently insufficient to determine the role of this variant in disease. Therefore, it has been classified as a Variant of Uncertain Significance. Algorithms developed to predict the effect of sequence changes on RNA splicing suggest that this variant may create or strengthen a splice site, but this prediction has not been confirmed by published transcriptional studies. Algorithms developed to predict the effect of missense changes on protein structure and function (SIFT, PolyPhen-2, Align-GVGD) all suggest that this variant is likely to be tolerated, but these predictions have not been confirmed by published functional studies and their clinical significance is uncertain. This variant has not been reported in the literature in individuals with USH2A-related conditions. This variant is not present in population databases (ExAC no frequency). This sequence change replaces isoleucine with valine at codon 3794 of the USH2A protein (p.Ile3794Val). The isoleucine residue is weakly conserved and there is a small physicochemical difference between isoleucine and valine.